The following is an entry in ClinVar:

ClinVar aggregate classification (germline): Uncertain significance (1 of 4 stars; one submission).

Allele frequency attached by ClinVar (database versions not stated): gnomAD exomes below 0.00001; TOPMed below 0.00001; gnomAD 0.00001.
gnomAD v4.1: 4 of 1,611,628 alleles (0.00025%); highest among the groups gnomAD compares: East Asian, 0.0022%; no homozygotes.

Submission:

Labcorp Genetics (formerly Invitae), Labcorp
Classification: Uncertain significance. Last evaluated: 2020-07-15. Review status: criteria provided, single submitter. Criteria: Invitae Variant Classification Sherloc (09022015). Collection method: clinical testing. Allele origin: germline.
Comment: Algorithms developed to predict the effect of missense changes on protein structure and function are either unavailable or do not agree on the potential impact of this missense change (SIFT: "Deleterious"; PolyPhen-2: "Possibly Damaging"; Align-GVGD: "Class C0"). In summary, the available evidence is currently insufficient to determine the role of this variant in disease. Therefore, it has been classified as a Variant of Uncertain Significance. Algorithms developed to predict the effect of sequence changes on RNA splicing suggest that this variant may create or strengthen a splice site, but this prediction has not been confirmed by published transcriptional studies. This variant has not been reported in the literature in individuals with SEMA4A-related conditions. This variant is not present in population databases (ExAC no frequency). This sequence change replaces aspartic acid with glycine at codon 190 of the SEMA4A protein (p.Asp190Gly). The aspartic acid residue is moderately conserved and there is a moderate physicochemical difference between aspartic acid and glycine.

NM_022367.4(SEMA4A):c.569A>G (p.Asp190Gly)

Gene: SEMA4A (semaphorin 4A; plus strand). Cytogenetic location: 1q22.
Variant type: single nucleotide variant.
Coding change: c.569A>G on transcript NM_022367.4 (MANE Select); coding-DNA position 569, A replaced by G.
Protein change: p.Asp190Gly; replaces aspartic acid 190 with glycine.
Molecular consequence: missense variant.
Genome position (GRCh38, 1-based): chr1:156,160,443, A>G. VCF-style: chr1-156160443-A-G. GRCh37 (hg19) VCF-style: chr1-156130234-A-G.
Other names: c.569A>G, p.Asp190Gly (NM_001193300.2, NM_001193301.2, NM_001370567.1); c.173A>G, p.Asp58Gly (NM_001193302.2); c.272A>G, p.Asp91Gly (NM_001370568.1); c.62A>G, p.Asp21Gly (NM_001370569.1, NM_001370571.1); short protein forms D190G, D21G, D58G, D91G.
Identifiers: ClinVar variation 1020248 (VCV001020248.8), dbSNP rs1286321334, ClinGen allele CA342837674.